The following is an entry in ClinVar:

NM_015374.3(SUN2):c.1838T>C (p.Val613Ala)

Genes: GTPBP1 (GTP binding protein 1; plus strand), SUN2 (Sad1 and UNC84 domain containing 2; minus strand). Cytogenetic location: 22q13.1.
Variant type: single nucleotide variant.
Coding change: c.1838T>C on transcript NM_015374.3 (MANE Select); coding-DNA position 1838, T replaced by C.
Protein change: p.Val613Ala; replaces valine 613 with alanine.
Molecular consequence: missense variant.
Genome position (GRCh38, 1-based): chr22:38,738,696, A>G on the plus strand (T>C on the coding strand, the complement: SUN2 is on the minus strand). VCF-style: chr22-38738696-A-G. GRCh37 (hg19) VCF-style: chr22-39134701-A-G.
Other names: c.1901T>C, p.Val634Ala (NM_001199579.2, NM_001394428.1); c.1838T>C, p.Val613Ala (NM_001199580.2, NM_001394431.1, NM_001394432.1 and 3 more transcripts); c.1931T>C, p.Val644Ala (NM_001394427.1); c.1883T>C, p.Val628Ala (NM_001394429.1, NM_001394430.1); c.1835T>C, p.Val612Ala (NM_001394436.1, NM_001394437.1); c.1748T>C, p.Val583Ala (NM_001394438.1); c.1700T>C, p.Val567Ala (NM_001394439.1, NM_001394440.1, NM_001394441.1); c.1439T>C, p.Val480Ala (NM_001394442.1); and 2 more; short protein forms V449A, V583A, V612A, V628A, V567A, V613A, V421A, V480A.
Identifiers: ClinVar variation 2914131 (VCV002914131.3), dbSNP rs2517958481, ClinGen allele CA411583415.

ClinVar aggregate classification (germline): Uncertain significance (1 of 4 stars; one submission).

Conditions:
Emery-Dreifuss muscular dystrophy (EDMD). Also called: Scapuloperoneal syndrome, X-linked (formerly); Humeroperoneal neuromuscular disease, (formerly). Identifiers: Orphanet 261, MedGen C0410189, MONDO:0016830.

Allele frequency attached by ClinVar (database versions not stated): gnomAD exomes 0.00001.
gnomAD v4.1: 3 of 1,613,724 alleles (0.00019%); highest among the groups gnomAD compares: Non-Finnish European, 0.00025%; no homozygotes.

Submission:

Labcorp Genetics (formerly Invitae), Labcorp
Classification: Uncertain significance for Emery-Dreifuss muscular dystrophy. Last evaluated: 2024-01-26. Review status: criteria provided, single submitter. Criteria: Invitae Variant Classification Sherloc (09022015). Collection method: clinical testing. Allele origin: germline.
Comment: This sequence change replaces valine, which is neutral and non-polar, with alanine, which is neutral and non-polar, at codon 613 of the SUN2 protein (p.Val613Ala). This variant is not present in population databases (gnomAD no frequency). This variant has not been reported in the literature in individuals affected with SUN2-related conditions. An algorithm developed to predict the effect of missense changes on protein structure and function (PolyPhen-2) suggests that this variant is likely to be disruptive. In summary, the available evidence is currently insufficient to determine the role of this variant in disease. Therefore, it has been classified as a Variant of Uncertain Significance.